The following is an entry in ClinVar:

NM_020810.3(TRMT5):c.207_208del (p.Glu69fs)

Gene: TRMT5 (tRNA methyltransferase 5; minus strand). Cytogenetic location: 14q23.1.
Variant type: Microsatellite.
Coding change: c.207_208del on transcript NM_020810.3 (MANE Select); coding-DNA positions 207 to 208, 2 bases deleted (GA; older notation c.207_208delGA).
Protein change: p.Glu69fs; shifts the reading frame from glutamic acid 69.
Molecular consequence: frameshift variant.
Genome position (GRCh38, 1-based): chr14:60,979,690-60,979,691, TC deleted on the plus strand (GA on the coding strand, the reverse complement: TRMT5 is on the minus strand); deleting any 2 consecutive bases within chr14:60,979,690-60,979,699 gives the same sequence; the c. name uses the placement nearest the transcript's 3' end. VCF-style (leftmost placement, unchanged base first): chr14-60979689-GTC-G. GRCh37 (hg19) VCF-style: chr14-61446407-GTC-G.
Other names: c.291_292del, p.Glu97fs (NM_001350253.1); c.288_289del, p.Glu96fs (NM_001350254.1); short protein forms E96fs, E69fs, E97fs.
Identifiers: ClinVar variation 1496238 (VCV001496238.3), dbSNP rs770316501, ClinGen allele CA7213958.

ClinVar aggregate classification (germline): Uncertain significance (1 of 4 stars; one submission).

Submission:

Labcorp Genetics (formerly Invitae), Labcorp
Classification: Uncertain significance. Last evaluated: 2022-09-01. Review status: criteria provided, single submitter. Criteria: Invitae Variant Classification Sherloc (09022015). Collection method: clinical testing. Allele origin: germline.
Comment: This sequence change creates a premature translational stop signal (p.Glu69Aspfs*2) in the TRMT5 gene. It is expected to result in an absent or disrupted protein product. However, the current clinical and genetic evidence is not sufficient to establish whether loss-of-function variants in TRMT5 cause disease. This variant is present in population databases (rs770316501, gnomAD 0.03%). This variant has not been reported in the literature in individuals affected with TRMT5-related conditions. ClinVar contains an entry for this variant (Variation ID: 1496238). In summary, the available evidence is currently insufficient to determine the role of this variant in disease. Therefore, it has been classified as a Variant of Uncertain Significance.